The following is an entry in ClinVar:

ClinVar aggregate classification (germline): Uncertain significance (1 of 4 stars; one submission).

Conditions:
Charcot-Marie-Tooth disease type 2R. Also called: CHARCOT-MARIE-TOOTH DISEASE, AXONAL, AUTOSOMAL RECESSIVE, TYPE 2R; Charcot-Marie-Tooth disease, axonal, type 2R; CHARCOT-MARIE-TOOTH NEUROPATHY, TYPE 2R. Identifiers: Orphanet 397968, MedGen C3809655, MONDO:0014208, OMIM 615490.

Allele frequency attached by ClinVar (database versions not stated): ExAC 0.00001.

Submission:

Labcorp Genetics (formerly Invitae), Labcorp
Classification: Uncertain significance for Charcot-Marie-Tooth disease type 2R. Last evaluated: 2018-12-27. Review status: criteria provided, single submitter. Criteria: Invitae Variant Classification Sherloc (09022015). Collection method: clinical testing. Allele origin: germline.
Comment: This variant is present in population databases (rs780090814, ExAC 0.002%). In summary, the available evidence is currently insufficient to determine the role of this variant in disease. Therefore, it has been classified as a Variant of Uncertain Significance. Algorithms developed to predict the effect of missense changes on protein structure and function are either unavailable or do not agree on the potential impact of this missense change (SIFT: "Deleterious"; PolyPhen-2: "Benign"; Align-GVGD: "Class C0"). This variant has not been reported in the literature in individuals with TRIM2-related conditions. This sequence change replaces glycine with valine at codon 571 of the TRIM2 protein (p.Gly571Val). The glycine residue is highly conserved and there is a moderate physicochemical difference between glycine and valine.

NM_015271.5(TRIM2):c.1793G>T (p.Gly598Val)

Gene: TRIM2 (tripartite motif containing 2; plus strand). Cytogenetic location: 4q31.3.
Variant type: single nucleotide variant.
Coding change: c.1793G>T on transcript NM_015271.5 (MANE Select); coding-DNA position 1793, G replaced by T.
Protein change: p.Gly598Val; replaces glycine 598 with valine.
Molecular consequence: missense variant.
Genome position (GRCh38, 1-based): chr4:153,322,658, G>T. VCF-style: chr4-153322658-G-T. GRCh37 (hg19) VCF-style: chr4-154243810-G-T.
Other names: c.1712G>T, p.Gly571Val (NM_001130067.2, NM_001351056.2); c.1766G>T, p.Gly589Val (NM_001351054.2); c.1763G>T, p.Gly588Val (NM_001351055.2); c.1337G>T, p.Gly446Val (NM_001351057.2); short protein forms G446V, G571V, G588V, G589V, G598V.
Identifiers: ClinVar variation 662374 (VCV000662374.8), dbSNP rs780090814, ClinGen allele CA3108828.